The following is an entry in ClinVar:

ClinVar aggregate classification (germline): Uncertain significance. Review status: criteria provided, multiple submitters, no conflicts (2 of 4 stars). 2 submissions from 2 submitters: Uncertain significance (2). Last evaluated 2024-11-19.

Allele frequency attached by ClinVar (database versions not stated): TOPMed 0.00002; gnomAD 0.00003; gnomAD exomes 0.00005; ExAC 0.00010.
gnomAD v4.1: 36 of 1,584,338 alleles (0.0023%); highest among the groups gnomAD compares: Middle Eastern, 0.017%; no homozygotes.

Submissions (2):

Labcorp Genetics (formerly Invitae), Labcorp
Classification: Uncertain significance. Last evaluated: 2024-11-19. Review status: criteria provided, single submitter. Criteria: Invitae Variant Classification Sherloc (09022015). Collection method: clinical testing. Allele origin: germline.
Comment: This sequence change replaces proline, which is neutral and non-polar, with alanine, which is neutral and non-polar, at codon 204 of the FSCN2 protein (p.Pro204Ala). This variant is present in population databases (rs781975141, gnomAD 0.01%). This variant has not been reported in the literature in individuals affected with FSCN2-related conditions. ClinVar contains an entry for this variant (Variation ID: 962318). An algorithm developed to predict the effect of missense changes on protein structure and function (PolyPhen-2) suggests that this variant is likely to be tolerated. In summary, the available evidence is currently insufficient to determine the role of this variant in disease. Therefore, it has been classified as a Variant of Uncertain Significance.

Ambry Genetics
Classification: Uncertain significance. Last evaluated: 2024-01-09. Review status: criteria provided, single submitter. Criteria: Ambry Variant Classification Scheme 2023. Collection method: clinical testing. Allele origin: germline.

NM_012418.4(FSCN2):c.610C>G (p.Pro204Ala)

Gene: FSCN2 (fascin actin-bundling protein 2, retinal; plus strand). Cytogenetic location: 17q25.3.
Variant type: single nucleotide variant.
Coding change: c.610C>G on transcript NM_012418.4 (MANE Select); coding-DNA position 610, C replaced by G.
Protein change: p.Pro204Ala; replaces proline 204 with alanine.
Molecular consequence: missense variant.
Genome position (GRCh38, 1-based): chr17:81,529,141, C>G. VCF-style: chr17-81529141-C-G. GRCh37 (hg19) VCF-style: chr17-79496167-C-G.
Other names: c.610C>G, p.Pro204Ala (NM_001077182.3); short protein forms P204A.
Identifiers: ClinVar variation 962318 (VCV000962318.8), dbSNP rs781975141, ClinGen allele CA8836736.